The following is an entry in ClinVar:

ClinVar aggregate classification (germline): Uncertain significance. Review status: criteria provided, multiple submitters, no conflicts (2 of 4 stars). 2 submissions from 2 submitters: Uncertain significance (2). Last evaluated 2025-05-25.

Conditions:
Hereditary cancer-predisposing syndrome. Also called: Hereditary neoplastic syndrome; Tumor predisposition; Hereditary Cancer Syndrome; Neoplastic Syndromes, Hereditary. Identifiers: Orphanet 140162, MedGen C0027672, MeSH D009386, MONDO:0015356.
Hereditary breast ovarian cancer syndrome. Also called: BRCA1- and BRCA2-Associated Hereditary Breast and Ovarian Cancer; Hereditary breast and/or ovarian cancer syndrome; Hereditary breast and ovarian cancer syndrome; Hereditary breast and ovarian cancer syndrome (HBOC); Breast and ovarian cancer; Hereditary breast and ovarian cancer. Identifiers: Orphanet 145, MedGen C0677776, MeSH D061325, MONDO:0003582. Disease mechanism: loss of function.

Submissions (2):

Ambry Genetics
Classification: Uncertain significance for Hereditary cancer-predisposing syndrome. Last evaluated: 2025-05-25. Review status: criteria provided, single submitter. Criteria: Ambry Variant Classification Scheme 2023. Collection method: clinical testing. Allele origin: germline.
Comment: The c.6814_6819delAGAAGA variant (also known as p.R2272_R2273del) is located in coding exon 10 of the BRCA2 gene. This variant results from an in-frame AGAAGA deletion at nucleotide positions 6814 to 6819. This results in the in-frame deletion of arginine residues at codons 2272 and 2273. This amino acid region is well conserved in available vertebrate species. In addition, the in silico prediction for this variant is inconclusive (Choi Y et al. PLoS ONE. 2012; 7(10):e46688). Based on the available evidence, the clinical significance of this variant remains unclear.

Labcorp Genetics (formerly Invitae), Labcorp
Classification: Uncertain significance for Hereditary breast ovarian cancer syndrome. Last evaluated: 2024-11-14. Review status: criteria provided, single submitter. Criteria: Invitae Variant Classification Sherloc (09022015). Collection method: clinical testing. Allele origin: germline.
Comment: This variant, c.6814_6819del, results in the deletion of 2 amino acid(s) of the BRCA2 protein (p.Arg2272_Arg2273del), but otherwise preserves the integrity of the reading frame. This variant is not present in population databases (gnomAD no frequency). This variant has not been reported in the literature in individuals affected with BRCA2-related conditions. Experimental studies and prediction algorithms are not available or were not evaluated, and the functional significance of this variant is currently unknown. In summary, the available evidence is currently insufficient to determine the role of this variant in disease. Therefore, it has been classified as a Variant of Uncertain Significance.

NM_000059.4(BRCA2):c.6814_6819del (p.Arg2272_Arg2273del)

Gene: BRCA2 (BRCA2 DNA repair associated; plus strand). Cytogenetic location: 13q13.1.
Variant type: Deletion.
Coding change: c.6814_6819del on transcript NM_000059.4 (MANE Select); coding-DNA positions 6814 to 6819, 6 bases deleted (AGAAGA; older notation c.6814_6819delAGAAGA).
Protein change: p.Arg2272_Arg2273del.
Molecular consequence: non-coding transcript variant (on NR_176251.1). On other transcripts: intron variant (2).
Genome position (GRCh38, 1-based): chr13:32,341,169-32,341,174, AGAAGA deleted; deleting any 6 consecutive bases within chr13:32,341,168-32,341,174 gives the same sequence; the c. name uses the placement nearest the transcript's 3' end. VCF-style (leftmost placement, unchanged base first): chr13-32341167-AAAGAAG-A. GRCh37 (hg19) VCF-style: chr13-32915304-AAAGAAG-A.
Other names: c.6814_6819del, p.Arg2272_Arg2273del (NM_001406719.1, NM_001406720.1, NM_001432077.1); c.1910-3389_1910-3384del (NM_001406721.1); c.425-3389_425-3384del (NM_001406722.1).
Identifiers: ClinVar variation 3639582 (VCV003639582.3).